The following is an entry in ClinVar:

NM_001110556.2(FLNA):c.6227-2A>G

Gene: FLNA (filamin A; minus strand). Cytogenetic location: Xq28.
Variant type: single nucleotide variant.
Coding change: c.6227-2A>G on transcript NM_001110556.2 (MANE Select); the canonical splice acceptor site of the intron before coding-DNA position 6227, A replaced by G.
Molecular consequence: splice acceptor variant.
Genome position (GRCh38, 1-based): chrX:154,352,926, T>C on the plus strand (A>G on the coding strand, the complement: FLNA is on the minus strand). VCF-style: chrX-154352926-T-C. GRCh37 (hg19) VCF-style: chrX-153581294-T-C.
Other names: c.6203-2A>G (NM_001456.4).
Identifiers: ClinVar variation 449299 (VCV000449299.2), dbSNP rs1557176076, ClinGen allele CA415194762.

ClinVar aggregate classification (germline): Pathogenic (1 of 4 stars; one submission).

Submission:

GeneDx
Classification: Pathogenic. Last evaluated: 2015-10-31. Review status: criteria provided, single submitter. Criteria: GeneDx Variant Classification (06012015). Collection method: clinical testing. Allele origin: germline. Affected: yes.
Comment: The c.6203-2A>G pathogenic variant in the FLNA gene has not been reported previously as a pathogenic variant nor as a benign variant, to our knowledge. This splice site variant destroys the canonical splice acceptor site in intron 37. It is predicted to cause abnormal gene splicing, either leading to an abnormal message that is subject to nonsense-mediated mRNA decay, or to an abnormal protein product if the message is used for protein translation. The c.6203-2A>G variant was not observed in approximately 6200 individuals of European and African American ancestry in the NHLBI Exome Sequencing Project, indicating it is not a common benign variant in these populations. We interpret c.6203-2A>G as a pathogenic variant